The following is an entry in ClinVar:

NM_001020658.2(PUM1):c.1625G>C (p.Gly542Ala)

Gene: PUM1 (pumilio RNA binding family member 1; minus strand). Cytogenetic location: 1p35.2.
Variant type: single nucleotide variant.
Coding change: c.1625G>C on transcript NM_001020658.2 (MANE Select); coding-DNA position 1625, G replaced by C.
Protein change: p.Gly542Ala; replaces glycine 542 with alanine.
Molecular consequence: missense variant.
Genome position (GRCh38, 1-based): chr1:30,968,374, C>G on the plus strand (G>C on the coding strand, the complement: PUM1 is on the minus strand). VCF-style: chr1-30968374-C-G. GRCh37 (hg19) VCF-style: chr1-31441221-C-G.
Other names: c.1625G>C, p.Gly542Ala (NM_014676.3); short protein forms G542A.
Identifiers: ClinVar variation 4070875 (VCV004070875.2).

ClinVar aggregate classification (germline): Uncertain significance (1 of 4 stars; one submission).

Submission:

GeneDx
Classification: Uncertain significance. Last evaluated: 2025-09-25. Review status: criteria provided, single submitter. Criteria: GeneDx Variant Classification Process June 2021. Collection method: clinical testing. Allele origin: germline.
Comment: Not observed at significant frequency in large population cohorts (gnomAD); In silico analysis suggests that this missense variant does not alter protein structure/function; Has not been previously published as pathogenic or benign to our knowledge